The following is an entry in ClinVar:

NM_020549.5(CHAT):c.557G>A (p.Arg186Gln)

Gene: CHAT (choline O-acetyltransferase; plus strand). Cytogenetic location: 10q11.23.
Variant type: single nucleotide variant.
Coding change: c.557G>A on transcript NM_020549.5 (MANE Select); coding-DNA position 557, G replaced by A.
Protein change: p.Arg186Gln; replaces arginine 186 with glutamine.
Molecular consequence: missense variant.
Genome position (GRCh38, 1-based): chr10:49,619,894, G>A. VCF-style: chr10-49619894-G-A. GRCh37 (hg19) VCF-style: chr10-50827940-G-A.
Other names: c.203G>A, p.Arg68Gln (NM_001142929.2, NM_001142934.2, NM_020984.4 and 2 more transcripts); c.311G>A, p.Arg104Gln (NM_001142933.2); short protein forms R104Q, R186Q, R68Q.
Identifiers: ClinVar variation 956969 (VCV000956969.8), dbSNP rs747996335, ClinGen allele CA5497173.
Genomic context (GRCh38, chr10:49,619,894, plus strand): 5'-TGCAGCAGTTTGGGGCCCCTGGTGGCCTCGGCGAGACCCTGCAGCAGAAACTCCTGGAGC[G>A]GCAGGAGAAGACAGCCAACTGGGTAAGAGGGGCAGACAAGGAACCCATAGAAGAGGGGCG-3'
Protein context (NP_065574.4, residues 176-196): GETLQQKLLE[Arg186Gln]QEKTANWVSE

ClinVar aggregate classification (germline): Uncertain significance. Review status: criteria provided, multiple submitters, no conflicts (2 of 4 stars). 2 submissions from 2 submitters: Uncertain significance (2). Last evaluated 2024-10-24.

Conditions:
Familial infantile myasthenia (CMS6). Also called: MYASTHENIC SYNDROME, PRESYNAPTIC, CONGENITAL, ASSOCIATED WITH EPISODIC APNEA; MYASTHENIC SYNDROME, CONGENITAL, 6, PRESYNAPTIC; Congenital myasthenic syndrome type 6. Identifiers: Orphanet 590, MedGen C0393929, MONDO:0009689, OMIM 254210.
Inborn genetic diseases. Identifiers: MedGen C0950123, MeSH D030342.

Allele frequency attached by ClinVar (database versions not stated): TOPMed 0.00006.
gnomAD v4.1: 23 of 1,612,314 alleles (0.0014%); highest among the groups gnomAD compares: Admixed American, 0.01%; no homozygotes.

Submissions (2):

Ambry Genetics
Classification: Uncertain significance for Inborn genetic diseases. Last evaluated: 2024-10-24. Review status: criteria provided, single submitter. Criteria: Ambry Variant Classification Scheme 2023. Collection method: clinical testing. Allele origin: germline.

Labcorp Genetics (formerly Invitae), Labcorp
Classification: Uncertain significance for Familial infantile myasthenia. Last evaluated: 2022-08-01. Review status: criteria provided, single submitter. Criteria: Invitae Variant Classification Sherloc (09022015). Collection method: clinical testing. Allele origin: germline.
Comment: This sequence change replaces arginine, which is basic and polar, with glutamine, which is neutral and polar, at codon 186 of the CHAT protein (p.Arg186Gln). This variant is present in population databases (rs747996335, gnomAD 0.02%). This variant has not been reported in the literature in individuals affected with CHAT-related conditions. ClinVar contains an entry for this variant (Variation ID: 956969). Advanced modeling of protein sequence and biophysical properties (such as structural, functional, and spatial information, amino acid conservation, physicochemical variation, residue mobility, and thermodynamic stability) performed at Invitae indicates that this missense variant is not expected to disrupt CHAT protein function. In summary, the available evidence is currently insufficient to determine the role of this variant in disease. Therefore, it has been classified as a Variant of Uncertain Significance.